The following is an entry in ClinVar:

NM_006949.4(STXBP2):c.1246+4G>A

Gene: STXBP2 (syntaxin binding protein 2; plus strand). Cytogenetic location: 19p13.2.
Variant type: single nucleotide variant.
Coding change: c.1246+4G>A on transcript NM_006949.4 (MANE Select); 4 bases into the intron after coding-DNA position 1246, G replaced by A.
Molecular consequence: intron variant.
Genome position (GRCh38, 1-based): chr19:7,644,756, G>A. VCF-style: chr19-7644756-G-A. GRCh37 (hg19) VCF-style: chr19-7709642-G-A.
Other names: c.1279+4G>A (NM_001272034.2); c.1237+4G>A (NM_001127396.3).
Identifiers: ClinVar variation 1494977 (VCV001494977.4), dbSNP rs111543394, ClinGen allele CA9144039.

ClinVar aggregate classification (germline): Uncertain significance (1 of 4 stars; one submission).

Conditions:
Familial hemophagocytic lymphohistiocytosis 5. Also called: STXBP2-Related Familial Hemophagocytic Lymphohistiocytosis (STXBP2-fHLH). Identifiers: Orphanet 540, MedGen C2751293, MONDO:0013135, OMIM 613101.

Allele frequency attached by ClinVar (database versions not stated): gnomAD exomes below 0.00001; ExAC 0.00001; gnomAD 0.00001 and 0.00003; TOPMed 0.00001.
gnomAD v4.1: 10 of 1,613,646 alleles (0.00062%); highest among the groups gnomAD compares: African/African-American, 0.008%; 1 homozygote.

Submission:

Labcorp Genetics (formerly Invitae), Labcorp
Classification: Uncertain significance for Familial hemophagocytic lymphohistiocytosis 5. Last evaluated: 2023-12-11. Review status: criteria provided, single submitter. Criteria: Invitae Variant Classification Sherloc (09022015). Collection method: clinical testing. Allele origin: germline.
Comment: This sequence change falls in intron 14 of the STXBP2 gene. It does not directly change the encoded amino acid sequence of the STXBP2 protein. It affects a nucleotide within the consensus splice site. This variant is present in population databases (rs111543394, gnomAD 0.007%). This variant has not been reported in the literature in individuals affected with STXBP2-related conditions. ClinVar contains an entry for this variant (Variation ID: 1494977). Variants that disrupt the consensus splice site are a relatively common cause of aberrant splicing (PMID: 17576681, 9536098). Algorithms developed to predict the effect of sequence changes on RNA splicing suggest that this variant is not likely to affect RNA splicing. In summary, the available evidence is currently insufficient to determine the role of this variant in disease. Therefore, it has been classified as a Variant of Uncertain Significance.

Literature cited by the submitters: PubMed 17576681; PubMed 9536098.